The following is an entry in ClinVar:

NM_006739.4(MCM5):c.1424C>G (p.Thr475Ser)

Gene: MCM5 (minichromosome maintenance complex component 5; plus strand). Cytogenetic location: 22q12.3.
Variant type: single nucleotide variant.
Coding change: c.1424C>G on transcript NM_006739.4 (MANE Select); coding-DNA position 1424, C replaced by G.
Protein change: p.Thr475Ser; replaces threonine 475 with serine.
Molecular consequence: missense variant.
Genome position (GRCh38, 1-based): chr22:35,416,648, C>G. VCF-style: chr22-35416648-C-G. GRCh37 (hg19) VCF-style: chr22-35812641-C-G.
Other names: short protein forms T475S.
Identifiers: ClinVar variation 2150369 (VCV002150369.4), dbSNP rs762794709, ClinGen allele CA323494229.
Genomic context (GRCh38, chr22:35,416,648, plus strand): 5'-AAGGCATCTTTGCCATCTCCTCCCCCTTTTCGTCGTCTGTCGCCTGTTAGGCTGGGATCA[C>G]CACCACCCTGAACTCCCGCTGCTCCGTCCTGGCTGCTGCCAACTCAGTGTTCGGCCGCTG-3'
Protein context (NP_006730.2, residues 465-485): QTISIAKAGI[Thr475Ser]TTLNSRCSVL

ClinVar aggregate classification (germline): Uncertain significance (1 of 4 stars; one submission).

Allele frequency attached by ClinVar (database versions not stated): gnomAD 0.00002; TOPMed 0.00003; gnomAD exomes 0.00004.
gnomAD v4.1: 68 of 1,613,680 alleles (0.0042%); highest among the groups gnomAD compares: Non-Finnish European, 0.0056%; no homozygotes.

Submission:

Labcorp Genetics (formerly Invitae), Labcorp
Classification: Uncertain significance. Last evaluated: 2023-08-16. Review status: criteria provided, single submitter. Criteria: Invitae Variant Classification Sherloc (09022015). Collection method: clinical testing. Allele origin: germline.
Comment: This variant has not been reported in the literature in individuals affected with MCM5-related conditions. This sequence change replaces threonine, which is neutral and polar, with serine, which is neutral and polar, at codon 475 of the MCM5 protein (p.Thr475Ser). This variant is present in population databases (rs762794709, gnomAD 0.0009%). ClinVar contains an entry for this variant (Variation ID: 2150369). Advanced modeling of protein sequence and biophysical properties (such as structural, functional, and spatial information, amino acid conservation, physicochemical variation, residue mobility, and thermodynamic stability) has been performed at Invitae for this missense variant, however the output from this modeling did not meet the statistical confidence thresholds required to predict the impact of this variant on MCM5 protein function. In summary, the available evidence is currently insufficient to determine the role of this variant in disease. Therefore, it has been classified as a Variant of Uncertain Significance.